The following is an entry in ClinVar:

NM_005515.4(MNX1):c.269T>G (p.Leu90Arg)

Gene: MNX1 (motor neuron and pancreas homeobox 1; minus strand). Cytogenetic location: 7q36.3.
Variant type: single nucleotide variant.
Coding change: c.269T>G on transcript NM_005515.4 (MANE Select); coding-DNA position 269, T replaced by G.
Protein change: p.Leu90Arg; replaces leucine 90 with arginine.
Molecular consequence: missense variant.
Genome position (GRCh38, 1-based): chr7:157,010,082, A>C on the plus strand (T>G on the coding strand, the complement: MNX1 is on the minus strand). VCF-style: chr7-157010082-A-C. GRCh37 (hg19) VCF-style: chr7-156802776-A-C.
Other names: short protein forms L90R.
Identifiers: ClinVar variation 1466730 (VCV001466730.8), dbSNP rs941454907, ClinGen allele CA370164902.
Genomic context (GRCh38, chr7:157,010,082, plus strand): 5'-TGCCCGCCGCCCGTGCCGCCGCCGCCGCCGCCCGCGCCCAGGAAGCCCGGCTTGGGCAGC[A>C]GCGCGCAGTGCGCGGCCAGCAGGCGCGGCGGCGACGGGCTCTCGGCGCGCAGGCGGTCGG-3'
Protein context (NP_005506.3, residues 80-100): PPRLLAAHCA[Leu90Arg]LPKPGFLGAG

ClinVar aggregate classification (germline): Uncertain significance (1 of 4 stars; one submission).

Submission:

Labcorp Genetics (formerly Invitae), Labcorp
Classification: Uncertain significance. Last evaluated: 2021-07-15. Review status: criteria provided, single submitter. Criteria: Invitae Variant Classification Sherloc (09022015). Collection method: clinical testing. Allele origin: germline.
Comment: This sequence change replaces leucine with arginine at codon 90 of the MNX1 protein (p.Leu90Arg). The leucine residue is moderately conserved and there is a moderate physicochemical difference between leucine and arginine. The frequency data for this variant in the population databases is considered unreliable, as metrics indicate insufficient coverage at this position in the ExAC database. This variant has not been reported in the literature in individuals affected with MNX1-related conditions. Algorithms developed to predict the effect of missense changes on protein structure and function are either unavailable or do not agree on the potential impact of this missense change (SIFT: "Deleterious"; PolyPhen-2: "Not Available"; Align-GVGD: "Class C0"). In summary, the available evidence is currently insufficient to determine the role of this variant in disease. Therefore, it has been classified as a Variant of Uncertain Significance.